The following is an entry in ClinVar:

NM_001080.3(ALDH5A1):c.*302G>A

Gene: ALDH5A1 (aldehyde dehydrogenase 5 family member A1; plus strand). Cytogenetic location: 6p22.3.
Variant type: single nucleotide variant.
Coding change: c.*302G>A on transcript NM_001080.3 (MANE Select); 302 bases downstream of the stop codon, G replaced by A.
Molecular consequence: 3 prime UTR variant.
Genome position (GRCh38, 1-based): chr6:24,534,014, G>A. VCF-style: chr6-24534014-G-A. GRCh37 (hg19) VCF-style: chr6-24534242-G-A.
Other names: c.*302G>A (NM_001368954.1, NM_170740.1).
Identifiers: ClinVar variation 356146 (VCV000356146.5), dbSNP rs74807590, ClinGen allele CA10621803.

ClinVar aggregate classification (germline): Benign (1 of 4 stars; one submission).

Conditions:
Succinate-semialdehyde dehydrogenase deficiency (SSADHD). Also called: Succinic Semialdehyde Dehydrogenase Deficiency; 4-HYDROXYBUTYRIC ACIDURIA; GABA METABOLIC DEFECT; SSADH DEFICIENCY. Identifiers: Orphanet 22, MedGen C0268631, MONDO:0010083, OMIM 271980.

Allele frequency attached by ClinVar (database versions not stated): 1000 Genomes Project 0.02077; gnomAD 0.02161 and 0.02295; 1000 Genomes Project 30x 0.02342; TOPMed 0.02570.
gnomAD v4.1: 5,038 of 368,170 alleles (1.4%); highest among the groups gnomAD compares: African/African-American, 5.6%; 79 homozygotes.

Submission:

Illumina Laboratory Services, Illumina
Classification: Benign for Succinate-semialdehyde dehydrogenase deficiency. Last evaluated: 2018-01-12. Review status: criteria provided, single submitter. Criteria: ICSL Variant Classification Criteria 13 December 2019. Collection method: clinical testing. Allele origin: germline.
Comment: This variant was observed in the ICSL laboratory as part of a predisposition screen in an ostensibly healthy population. It had not been previously curated by ICSL or reported in the Human Gene Mutation Database (HGMD: prior to June 1st, 2018), and was therefore a candidate for classification through an automated scoring system. Utilizing variant allele frequency, disease prevalence and penetrance estimates, and inheritance mode, an automated score was calculated to assess if this variant is too frequent to cause the disease. Based on the score and internal cut-off values, a variant classified as benign is not then subjected to further curation. The score for this variant resulted in a classification of benign for this disease.